The following is an entry in ClinVar:

ClinVar aggregate classification (germline): Uncertain significance (1 of 4 stars; one submission).

Conditions:
DK1-congenital disorder of glycosylation. Also called: CONGENITAL DISORDER OF GLYCOSYLATION, TYPE Im; DOLK-congenital disorder of glycosylation; Carbohydrate deficient glycoprotein syndrome type 1m; DK1 DEFICIENCY; DOLICHOL KINASE DEFICIENCY; DK1-CDG. Identifiers: Orphanet 91131, MedGen C1835849, MONDO:0012556, OMIM 610768.

Submission:

Labcorp Genetics (formerly Invitae), Labcorp
Classification: Uncertain significance for DK1-congenital disorder of glycosylation. Last evaluated: 2022-08-18. Review status: criteria provided, single submitter. Criteria: Invitae Variant Classification Sherloc (09022015). Collection method: clinical testing. Allele origin: germline.
Comment: This sequence change replaces glycine, which is neutral and non-polar, with tryptophan, which is neutral and slightly polar, at codon 508 of the DOLK protein (p.Gly508Trp). This variant is not present in population databases (gnomAD no frequency). This variant has not been reported in the literature in individuals affected with DOLK-related conditions. ClinVar contains an entry for this variant (Variation ID: 1348702). Algorithms developed to predict the effect of missense changes on protein structure and function are either unavailable or do not agree on the potential impact of this missense change (SIFT: "Tolerated"; PolyPhen-2: "Probably Damaging"; Align-GVGD: "Class C0"). In summary, the available evidence is currently insufficient to determine the role of this variant in disease. Therefore, it has been classified as a Variant of Uncertain Significance.

NM_014908.4(DOLK):c.1522G>T (p.Gly508Trp)

Gene: DOLK (dolichol kinase; minus strand). Cytogenetic location: 9q34.11.
Variant type: single nucleotide variant.
Coding change: c.1522G>T on transcript NM_014908.4 (MANE Select); coding-DNA position 1522, G replaced by T.
Protein change: p.Gly508Trp; replaces glycine 508 with tryptophan.
Molecular consequence: missense variant.
Genome position (GRCh38, 1-based): chr9:128,945,782, C>A on the plus strand (G>T on the coding strand, the complement: DOLK is on the minus strand). VCF-style: chr9-128945782-C-A. GRCh37 (hg19) VCF-style: chr9-131708061-C-A.
Other names: short protein forms G508W.
Identifiers: ClinVar variation 1348702 (VCV001348702.5), dbSNP rs2131126776, ClinGen allele CA375115903.
Genomic context (GRCh38, chr9:128,945,782, plus strand): 5'-GAAGGAGATTGTCTATCTGTGTAGTGTATGCTTCCAGGAGGGACACAGTGCTGATGGACC[C>A]CAAAATCCAAGCATAACTGTAGTTTAGGTCCACTCCACTGTCAAAGATTAAGATCAGAGC-3'
Protein context (NP_055723.1, residues 498-518): DLNYSYAWIL[Gly508Trp]SISTVSLLEA